The following is an entry in ClinVar:

ClinVar aggregate classification (germline): Conflicting classifications of pathogenicity. Review status: criteria provided, conflicting classifications (1 of 4 stars). 16 submissions from 16 submitters: Uncertain significance (1); Likely benign (12). 3 of the submissions do not count toward it. Last evaluated 2026-05-01.

Conditions:
Cardiovascular phenotype. Identifiers: MedGen CN230736.
Long QT syndrome (LQTS). Identifiers: MedGen C0023976, MeSH D008133, MONDO:0002442. Disease mechanism: loss of function. Inheritance: Various modes of inheritance.
Cardiac arrhythmia, ankyrin-B-related. Also called: ANKYRIN-B SYNDROME. Identifiers: Orphanet 101016, Orphanet 768, MedGen C1970119, MONDO:0010958, OMIM 600919.
Cardiomyopathy (CMYO). Also called: Cardiomyopathies. Identifiers: Orphanet 167848, MedGen C0878544, MONDO:0004994, HP:0001638. Inheritance: Various modes of inheritance.

Allele frequency attached by ClinVar (database versions not stated): 1000 Genomes Project 30x 0.00031; 1000 Genomes Project 0.00040; gnomAD exomes 0.00043 and 0.00058; ExAC 0.00049; gnomAD 0.00052; ESP Exome Variant Server 0.00062; TOPMed 0.00066.
gnomAD v4.1: 712 of 1,614,106 alleles (0.044%); highest among the groups gnomAD compares: Middle Eastern, 0.21%; 2 homozygotes.

Submissions (16):

CeGaT Center for Human Genetics Tuebingen
Classification: Likely benign. Last evaluated: 2026-05-01. Review status: criteria provided, single submitter. Criteria: CeGaT Center For Human Genetics Tuebingen Variant Classification Criteria Version 2. Collection method: clinical testing. Allele origin: germline. Affected: yes. Observed: 7 variant alleles.
Comment: ANK2: BS1

Labcorp Genetics (formerly Invitae), Labcorp
Classification: Likely benign for Long QT syndrome. Last evaluated: 2025-12-30. Review status: criteria provided, single submitter. Criteria: Invitae Variant Classification Sherloc (09022015). Collection method: clinical testing. Allele origin: germline.

Ambry Genetics
Classification: Likely benign for Cardiovascular phenotype. Last evaluated: 2025-03-07. Review status: criteria provided, single submitter. Criteria: Ambry Variant Classification Scheme 2023. Collection method: clinical testing. Allele origin: germline.

Blueprint Genetics
Classification: Likely benign. Last evaluated: 2024-11-13. Review status: criteria provided, single submitter. Criteria: ACMG Guidelines, 2015. Collection method: clinical testing. Allele origin: germline.

Dept of Medical Biology, Uskudar University
Classification: Likely benign for Long QT syndrome. Last evaluated: 2024-01-08. Review status: criteria provided, single submitter. Criteria: Dept of Medical Biology Variant Classification. Collection method: research. Allele origin: paternal. Affected: yes. Observed: 1 variant allele.
Comment: Criteria: BS1, BP4

ARUP Laboratories, Molecular Genetics and Genomics, ARUP Laboratories
Classification: Likely benign. Last evaluated: 2023-10-20. Review status: criteria provided, single submitter. Criteria: ARUP Molecular Germline Variant Investigation Process 2024. Collection method: clinical testing. Allele origin: germline.

GeneDx
Classification: Likely benign. Last evaluated: 2021-05-27. Review status: criteria provided, single submitter. Criteria: GeneDx Variant Classification Process June 2021. Collection method: clinical testing. Allele origin: germline. Affected: yes.
Comment: This variant is associated with the following publications: (PMID: 23861362, 25351510, 28750076)

Women's Health and Genetics/Laboratory Corporation of America, LabCorp
Classification: Likely benign. Last evaluated: 2019-11-25. Review status: criteria provided, single submitter. Criteria: LabCorp Variant Classification Summary - May 2015. Collection method: clinical testing. Allele origin: germline.
Comment: Variant summary: ANK2 c.9046G>A (p.Glu3016Lys) results in a conservative amino acid change in the encoded protein sequence. Five of five in-silico tools predict a benign effect of the variant on protein function. The variant allele was found at a frequency of 0.00058 in 250748 control chromosomes, predominantly at a frequency of 0.0012 within the Latino subpopulation in the gnomAD database. The observed variant frequency within Latino control individuals in the gnomAD database is approximately 120 fold of the estimated maximal expected allele frequency for a pathogenic variant in ANK2 causing Arrhythmia phenotype (1e-05), strongly suggesting that the variant is a benign polymorphism found primarily in populations of Latino origin. The variant, c.9046G>A, has been reported in the literature in individuals affected with hypertrophic or dilated cardiomyopathy, without supportive evidence for causality (Lopes_2015, Forleo_2017), and was also found in an unaffected individual, who had no ECG signs of Long QT Syndrome (Ghouse_2015). To our knowledge, no experimental evidence demonstrating an impact on protein function has been reported. Six ClinVar submissions (evaluation after 2014) cite the variant as likely benign. Based on the evidence outlined above, the variant was classified as likely benign.

Illumina Laboratory Services, Illumina
Classification: Uncertain significance for Cardiac arrhythmia, ankyrin-B-related. Last evaluated: 2018-01-13. Review status: criteria provided, single submitter. Criteria: ICSL Variant Classification Criteria 13 December 2019. Collection method: clinical testing. Allele origin: germline.

Stanford Center for Inherited Cardiovascular Disease, Stanford University
Classification: Likely benign. Last evaluated: 2017-09-05. Review status: criteria provided, single submitter. Criteria: ACMG Guidelines, 2015. Collection method: provider interpretation. Allele origin: germline.

Center for Advanced Laboratory Medicine, UC San Diego Health, University of California San Diego
Classification: Likely benign for Cardiomyopathy. Last evaluated: 2017-03-17. Review status: criteria provided, single submitter. Criteria: ACMG Guidelines, 2015. Collection method: clinical testing. Allele origin: germline. Affected: yes. Observed: 1 variant allele.

Biesecker Lab/Clinical Genomics Section, National Institutes of Health
Classification: Likely benign. Last evaluated: 2013-06-24. Review status: criteria provided, single submitter. Criteria: Ng et al. (Circ Cardiovasc Genet. 2013). Collection method: research. Allele origin: unknown. Observed: 2 variant alleles. Study: ClinSeq.
Comment: The study set was not selected for affection status in relation to any cancer. Pathogenicity categories were based on literature curation. See Pubmed ID:23861362 for details.

Medical sequencing

Molecular Diagnostic Laboratory for Inherited Cardiovascular Disease, Montreal Heart Institute
Classification: Likely benign. Review status: criteria provided, single submitter. Criteria: ACMG Guidelines, 2015. Collection method: clinical testing. Allele origin: germline. Affected: yes.

Clinical Genetics DNA and cytogenetics Diagnostics Lab, Erasmus MC, Erasmus Medical Center
Classification: Likely benign. Review status: no assertion criteria provided. Collection method: clinical testing. Allele origin: germline. Affected: yes. Study: VKGL Data-share Consensus. Not counted in ClinVar's aggregate classification.

Clinical Genetics, Academic Medical Center
Classification: Likely benign. Review status: no assertion criteria provided. Collection method: clinical testing. Allele origin: germline. Affected: yes. Study: VKGL Data-share Consensus. Not counted in ClinVar's aggregate classification.

Genome Diagnostics Laboratory, University Medical Center Utrecht
Classification: Likely benign. Review status: no assertion criteria provided. Collection method: clinical testing. Allele origin: germline. Affected: yes. Study: VKGL Data-share Consensus. Not counted in ClinVar's aggregate classification.

Literature cited by the submitters: PubMed 23861362 (cited by Women's Health and Genetics/Laboratory Corporation of America, LabCorp); PubMed 25351510 (cited by Women's Health and Genetics/Laboratory Corporation of America, LabCorp); PubMed 28750076 (cited by Women's Health and Genetics/Laboratory Corporation of America, LabCorp); PubMed 26159999 (cited by Women's Health and Genetics/Laboratory Corporation of America, LabCorp).

NM_001148.6(ANK2):c.9046G>A (p.Glu3016Lys)

Gene: ANK2 (ankyrin 2; plus strand). Cytogenetic location: 4q26.
Variant type: single nucleotide variant.
Coding change: c.9046G>A on transcript NM_001148.6 (MANE Select); coding-DNA position 9046, G replaced by A.
Protein change: p.Glu3016Lys; replaces glutamic acid 3016 with lysine.
Molecular consequence: missense variant. On other transcripts: intron variant (68).
Genome position (GRCh38, 1-based): chr4:113,357,664, G>A. VCF-style: chr4-113357664-G-A. GRCh37 (hg19) VCF-style: chr4-114278820-G-A.
Other names: c.8812G>A, p.Glu2938Lys (NM_001386142.1); c.5446G>A, p.Glu1816Lys (NM_001386166.1); c.9187G>A, p.Glu3063Lys (NM_001386174.1); c.9163G>A, p.Glu3055Lys (NM_001386175.1); c.4412-3159G>A (NM_001386186.2, NM_001386148.2); c.4214-3159G>A (NM_001354269.3); c.4292-3159G>A (NM_001386187.2); c.4253-3159G>A (NM_001386147.1); and 35 more; short protein forms E3016K, E1816K, E2938K, E3055K, E3063K.
Identifiers: ClinVar variation 191541 (VCV000191541.48), dbSNP rs149963885, ClinGen allele CA236953.